The following is an entry in ClinVar:

ClinVar aggregate classification (germline): Benign/Likely benign. Review status: criteria provided, multiple submitters, no conflicts (2 of 4 stars). 7 submissions from 7 submitters: Benign (2); Likely benign (4). 1 of the submissions does not count toward it. Last evaluated 2026-08-01.

Conditions:
Triglyceride storage disease with ichthyosis (CDS). Also called: Chanarin-Dorfman Syndrome; ICHTHYOSIFORM ERYTHRODERMA WITH LEUKOCYTE VACUOLATION; TRIGLYCERIDE STORAGE DISEASE WITH IMPAIRED LONG-CHAIN FATTY ACID OXIDATION; Dorfman-Chanarin disease. Identifiers: Orphanet 98907, MedGen C0268238, MONDO:0010155, OMIM 275630.
ABHD5-related disorder. Also called: ABHD5-related condition.

Allele frequency attached by ClinVar (database versions not stated): TOPMed 0.00280; gnomAD exomes 0.00519; 1000 Genomes Project 30x 0.00234; ESP Exome Variant Server 0.00386; gnomAD 0.00433 and 0.00436; ExAC 0.00541; 1000 Genomes Project 0.00220.
gnomAD v4.1: 7,824 of 1,560,302 alleles (0.5%); highest among the groups gnomAD compares: Non-Finnish European, 0.53%; 33 homozygotes.

Submissions (7):

CeGaT Center for Human Genetics Tuebingen
Classification: Likely benign. Last evaluated: 2026-08-01. Review status: criteria provided, single submitter. Criteria: CeGaT Center For Human Genetics Tuebingen Variant Classification Criteria Version 2. Collection method: clinical testing. Allele origin: germline. Affected: yes. Observed: 17 variant alleles.
Comment: ABHD5: BP4, BP7, BS2

Labcorp Genetics (formerly Invitae), Labcorp
Classification: Benign. Last evaluated: 2026-02-02. Review status: criteria provided, single submitter. Criteria: Invitae Variant Classification Sherloc (09022015). Collection method: clinical testing. Allele origin: germline.

Mayo Clinic Laboratories, Mayo Clinic
Classification: Benign. Last evaluated: 2024-05-22. Review status: criteria provided, single submitter. Criteria: ACMG Guidelines, 2015. Collection method: clinical testing. Allele origin: germline. Observed: 11 variant alleles.
Comment: BA1, BP4, BP7

GeneDx
Classification: Likely benign. Last evaluated: 2021-06-21. Review status: criteria provided, single submitter. Criteria: GeneDx Variant Classification Process June 2021. Collection method: clinical testing. Allele origin: germline. Affected: yes.

Illumina Laboratory Services, Illumina
Classification: Likely benign for Triglyceride storage disease with ichthyosis. Last evaluated: 2018-01-13. Review status: criteria provided, single submitter. Criteria: ICSL Variant Classification Criteria 13 December 2019. Collection method: clinical testing. Allele origin: germline.
Comment: This variant was observed in the ICSL laboratory as part of a predisposition screen in an ostensibly healthy population. It had not been previously curated by ICSL or reported in the Human Gene Mutation Database (HGMD: prior to June 1st, 2018), and was therefore a candidate for classification through an automated scoring system. Utilizing variant allele frequency, disease prevalence and penetrance estimates, and inheritance mode, an automated score was calculated to assess if this variant is too frequent to cause the disease. Based on the score and internal cut-off values, a variant classified as likely benign is not then subjected to further curation. The score for this variant resulted in a classification of likely benign for this disease.

Breakthrough Genomics
Classification: Likely benign. Review status: criteria provided, single submitter. Criteria: ACMG Guidelines, 2015. Collection method: not provided. Allele origin: germline. Inheritance: Autosomal recessive inheritance. Affected: yes.

PreventionGenetics, part of Exact Sciences
Classification: Benign for ABHD5-related condition. Last evaluated: 2024-08-21. Review status: no assertion criteria provided. Collection method: clinical testing. Allele origin: germline. Not counted in ClinVar's aggregate classification.
Comment: This variant is classified as benign based on ACMG/AMP sequence variant interpretation guidelines (Richards et al. 2015 PMID: 25741868, with internal and published modifications).

NM_016006.6(ABHD5):c.39C>T (p.Thr13=)

Genes: ABHD5 (abhydrolase domain containing 5, lysophosphatidic acid acyltransferase; plus strand), ANO10 (anoctamin 10; minus strand). Cytogenetic location: 3p21.33.
Variant type: single nucleotide variant.
Coding change: c.39C>T on transcript NM_016006.6 (MANE Select); coding-DNA position 39, C replaced by T.
Protein change: p.Thr13=; no amino-acid change (threonine 13 retained).
Molecular consequence: synonymous variant. On other transcripts: non-coding transcript variant (1), intron variant (2).
Genome position (GRCh38, 1-based): chr3:43,691,031, C>T. VCF-style: chr3-43691031-C-T. GRCh37 (hg19) VCF-style: chr3-43732523-C-T.
Other names: p.Thr13=; c.39C>T, p.Thr13= (NM_001355186.2, NM_001365650.1); c.-12+486G>A (NM_001346469.2, NM_001346468.2).
Identifiers: ClinVar variation 345216 (VCV000345216.51), dbSNP rs140969259, ClinGen allele CA2341223.